The following is an entry in ClinVar:

NC_000002.12:g.121531009T>C

Genes: CLASP1 (cytoplasmic linker associated protein 1; minus strand), CLASP1-AS1 (CLASP1 antisense RNA 1; plus strand), RNU4ATAC (RNA, U4atac small nuclear; plus strand). Cytogenetic location: 2q14.2.
Variant type: single nucleotide variant.
Molecular consequence: intron variant (on NM_001395891.1).
Genome position: GRCh38 VCF-style: chr2-121531009-T-C. GRCh37 (hg19) VCF-style: chr2-122288585-T-C.
Other names: c.196-684A>G (NM_001378005.1, NM_001142274.2, NM_015282.3 and 5 more transcripts).
Identifiers: ClinVar variation 1990820 (VCV001990820.1), dbSNP rs942363087, ClinGen allele CA54811056.
Genomic context (GRCh38, chr2:121,531,009, plus strand): 5'-GAACAACACACCCGCATCAACTAGAGCTTTTGCTTTATTTTGGTGCAATTTTTGGAAAAA[T>C]GAAAACCTGTTTTCATAGACTTATCAGTTCAAACAGCAGTAATTCGTAAATAAACTAGTA-3'

ClinVar aggregate classification (germline): Uncertain significance (1 of 4 stars; one submission).

Allele frequency attached by ClinVar (database versions not stated): TOPMed 0.00006.
gnomAD v4.1: 54 of 700,042 alleles (0.0077%); highest among the groups gnomAD compares: African/African-American, 0.01%; no homozygotes.

Submission:

Labcorp Genetics (formerly Invitae), Labcorp
Classification: Uncertain significance. Last evaluated: 2022-07-23. Review status: criteria provided, single submitter. Criteria: Invitae Variant Classification Sherloc (09022015). Collection method: clinical testing. Allele origin: germline.
Comment: This variant occurs in the RNU4ATAC gene, which encodes an RNA molecule that does not result in a protein product. This variant is present in population databases (no rsID available, gnomAD 0.03%). This variant has not been reported in the literature in individuals affected with RNU4ATAC-related conditions. Experimental studies and prediction algorithms are not available or were not evaluated, and the functional significance of this variant is currently unknown. In summary, the available evidence is currently insufficient to determine the role of this variant in disease. Therefore, it has been classified as a Variant of Uncertain Significance.